The following is an entry in ClinVar:

NM_001360.3(DHCR7):c.1405C>T (p.Arg469Cys)

Gene: DHCR7 (7-dehydrocholesterol reductase; minus strand). Cytogenetic location: 11q13.4.
Variant type: single nucleotide variant.
Coding change: c.1405C>T on transcript NM_001360.3 (MANE Select); coding-DNA position 1405, C replaced by T.
Protein change: p.Arg469Cys; replaces arginine 469 with cysteine.
Molecular consequence: missense variant.
Genome position (GRCh38, 1-based): chr11:71,435,398, G>A on the plus strand (C>T on the coding strand, the complement: DHCR7 is on the minus strand). VCF-style: chr11-71435398-G-A. GRCh37 (hg19) VCF-style: chr11-71146444-G-A.
Other names: c.1405C>T, p.Arg469Cys (NM_001163817.2); short protein forms R469C.
Identifiers: ClinVar variation 550425 (VCV000550425.11), dbSNP rs148660993, ClinGen allele CA6162237.

ClinVar aggregate classification (germline): Uncertain significance. Review status: criteria provided, multiple submitters, no conflicts (2 of 4 stars). 5 submissions from 5 submitters: Uncertain significance (3). 2 of the submissions do not count toward it. Last evaluated 2024-05-31.

Conditions:
Smith-Lemli-Opitz syndrome (SLOS). Also called: LETHAL ACRODYSGENITAL SYNDROME; POLYDACTYLY, SEX REVERSAL, RENAL HYPOPLASIA, AND UNILOBAR LUNG; RSH SYNDROME; RUTLEDGE LETHAL MULTIPLE CONGENITAL ANOMALY SYNDROME; 7-Dehydrocholesterol reductase deficiency. Identifiers: Orphanet 818, MedGen C0175694, MONDO:0010035, OMIM 270400.

Allele frequency attached by ClinVar (database versions not stated): TOPMed 0.00008; ESP Exome Variant Server 0.00015; ExAC 0.00001; gnomAD exomes 0.00001; gnomAD 0.00007.
gnomAD v4.1: 23 of 1,612,336 alleles (0.0014%); highest among the groups gnomAD compares: Middle Eastern, 0.016%; no homozygotes.

Submissions (5):

Fulgent Genetics
Classification: Uncertain significance for Smith-Lemli-Opitz syndrome. Last evaluated: 2024-05-31. Review status: criteria provided, single submitter. Criteria: ACMG Guidelines, 2015. Collection method: clinical testing. Allele origin: germline.

GeneDx
Classification: Uncertain significance. Last evaluated: 2023-12-13. Review status: criteria provided, single submitter. Criteria: GeneDx Variant Classification Process June 2021. Collection method: clinical testing. Allele origin: germline. Affected: yes.
Comment: In silico analysis supports that this missense variant has a deleterious effect on protein structure/function; Has not been previously published as pathogenic or benign to our knowledge; This variant is associated with the following publications: (PMID: 23603282, 24813812)

Labcorp Genetics (formerly Invitae), Labcorp
Classification: Uncertain significance for Smith-Lemli-Opitz syndrome. Last evaluated: 2022-08-11. Review status: criteria provided, single submitter. Criteria: Invitae Variant Classification Sherloc (09022015). Collection method: clinical testing. Allele origin: germline.
Comment: This sequence change replaces arginine, which is basic and polar, with cysteine, which is neutral and slightly polar, at codon 469 of the DHCR7 protein (p.Arg469Cys). This variant is present in population databases (rs148660993, gnomAD 0.02%). This missense change has been observed in individual(s) with Smith-Lemli-Opitz syndrome (PMID: 24813812). ClinVar contains an entry for this variant (Variation ID: 550425). Advanced modeling of protein sequence and biophysical properties (such as structural, functional, and spatial information, amino acid conservation, physicochemical variation, residue mobility, and thermodynamic stability) performed at Invitae indicates that this missense variant is expected to disrupt DHCR7 protein function. In summary, the available evidence is currently insufficient to determine the role of this variant in disease. Therefore, it has been classified as a Variant of Uncertain Significance.

Natera, Inc.
Classification: Uncertain significance for Smith-Lemli-Opitz syndrome. Last evaluated: 2018-05-24. Review status: no assertion criteria provided. Collection method: clinical testing. Allele origin: germline. Not counted in ClinVar's aggregate classification.

Counsyl
Classification: Uncertain significance for Smith-Lemli-Opitz syndrome. Last evaluated: 2017-01-24. Review status: no assertion criteria provided. Collection method: clinical testing. Allele origin: unknown. Not counted in ClinVar's aggregate classification.

Literature cited by the submitters: PubMed 24813812 (cited by Labcorp Genetics (formerly Invitae), Labcorp and Counsyl).